The following is an entry in ClinVar:

NM_024817.3(THSD4):c.1576G>A (p.Val526Met)

Gene: THSD4 (thrombospondin type 1 domain containing 4; plus strand). Cytogenetic location: 15q23.
Variant type: single nucleotide variant.
Coding change: c.1576G>A on transcript NM_024817.3 (MANE Select); coding-DNA position 1576, G replaced by A.
Protein change: p.Val526Met; replaces valine 526 with methionine.
Molecular consequence: missense variant.
Genome position (GRCh38, 1-based): chr15:71,731,163, G>A. VCF-style: chr15-71731163-G-A. GRCh37 (hg19) VCF-style: chr15-72023502-G-A.
Other names: c.496G>A, p.Val166Met (NM_001286429.2); c.1576G>A, p.Val526Met (NM_001394532.1); short protein forms V166M, V526M.
Identifiers: ClinVar variation 2410698 (VCV002410698.15), dbSNP rs138125166, ClinGen allele CA7639579.
Genomic context (GRCh38, chr15:71,731,163, plus strand): 5'-TGATTTTTGTGTCAGCAGATGATACACCAGCAGCCAAACCCAGGCGTGCACTACGAGTAC[G>A]TGATCATGGGGACCAACGCCATCAGCCCCCAGGTGCCACCCCACAGGAGACCAGGTAGAA-3'
Protein context (NP_079093.2, residues 516-536): QPNPGVHYEY[Val526Met]IMGTNAISPQ

ClinVar aggregate classification (germline): Conflicting classifications of pathogenicity. Review status: criteria provided, conflicting classifications (1 of 4 stars). 4 submissions from 4 submitters: Uncertain significance (1); Benign (1); Likely benign (1). 1 of the submissions does not count toward it. Last evaluated 2026-02-01.

Conditions:
THSD4-related disorder. Also called: THSD4-related condition.
Familial thoracic aortic aneurysm and aortic dissection (TAAD). Also called: Thoracic aortic aneurysms and dissections. Identifiers: Orphanet 91387, MedGen C4707243, MONDO:0019625.

Allele frequency attached by ClinVar (database versions not stated): ESP Exome Variant Server 0.00103; 1000 Genomes Project 0.00140; TOPMed 0.00142; ExAC 0.00143; 1000 Genomes Project 30x 0.00156; gnomAD 0.00161; gnomAD exomes 0.00267.
gnomAD v4.1: 4,148 of 1,614,182 alleles (0.26%); highest among the groups gnomAD compares: Non-Finnish European, 0.32%; 6 homozygotes.

Submissions (4):

CeGaT Center for Human Genetics Tuebingen
Classification: Likely benign. Last evaluated: 2026-02-01. Review status: criteria provided, single submitter. Criteria: CeGaT Center For Human Genetics Tuebingen Variant Classification Criteria Version 2. Collection method: clinical testing. Allele origin: germline. Affected: yes. Observed: 3 variant alleles.
Comment: THSD4: BS1

CHEO Genetics Diagnostic Laboratory, Children's Hospital of Eastern Ontario
Classification: Benign for Familial thoracic aortic aneurysm and aortic dissection. Last evaluated: 2023-03-31. Review status: criteria provided, single submitter. Criteria: ACMG Guidelines, 2015. Collection method: clinical testing. Allele origin: germline.

Ambry Genetics
Classification: Uncertain significance. Last evaluated: 2021-07-14. Review status: criteria provided, single submitter. Criteria: Ambry Variant Classification Scheme 2023. Collection method: clinical testing. Allele origin: germline.

PreventionGenetics, part of Exact Sciences
Classification: Likely benign for THSD4-related condition. Last evaluated: 2023-10-04. Review status: no assertion criteria provided. Collection method: clinical testing. Allele origin: germline. Not counted in ClinVar's aggregate classification.
Comment: This variant is classified as likely benign based on ACMG/AMP sequence variant interpretation guidelines (Richards et al. 2015 PMID: 25741868, with internal and published modifications).